The following is an entry in ClinVar:

NM_006940.6(SOX5):c.131G>A (p.Ser44Asn)

Gene: SOX5 (SRY-box transcription factor 5; minus strand). Cytogenetic location: 12p12.1.
Variant type: single nucleotide variant.
Coding change: c.131G>A on transcript NM_006940.6 (MANE Select); coding-DNA position 131, G replaced by A.
Protein change: p.Ser44Asn; replaces serine 44 with asparagine.
Molecular consequence: missense variant.
Genome position (GRCh38, 1-based): chr12:23,895,932, C>T on the plus strand (G>A on the coding strand, the complement: SOX5 is on the minus strand). VCF-style: chr12-23895932-C-T. GRCh37 (hg19) VCF-style: chr12-24048866-C-T.
Other names: c.92G>A, p.Ser31Asn (NM_001261414.3, NM_152989.5); c.101G>A, p.Ser34Asn (NM_001261415.3); c.131G>A, p.Ser44Asn (NM_001330785.2); short protein forms S31N, S34N, S44N.
Identifiers: ClinVar variation 2379097 (VCV002379097.2), dbSNP rs2505494926, ClinGen allele CA384321643.
Genomic context (GRCh38, chr12:23,895,932, plus strand): 5'-GAGTGAGGCTTGTTGGGAAAACTCACATGCAAGGGAAGGTGAAAGGCTGGGAGCCCGTCA[C>T]TCTCCTCTTCTTCCACTTTCTGTCTGCTTGTCACCATGGCTACCTCTCCATCTGCTTCCC-3'
Protein context (NP_008871.3, residues 34-54): TSRQKVEEEE[Ser44Asn]DGLPAFHLPL

ClinVar aggregate classification (germline): Uncertain significance (1 of 4 stars; one submission).

Conditions:
Inborn genetic diseases. Identifiers: MedGen C0950123, MeSH D030342.

Submission:

Ambry Genetics
Classification: Uncertain significance for Inborn genetic diseases. Last evaluated: 2022-01-04. Review status: criteria provided, single submitter. Criteria: Ambry Variant Classification Scheme 2023. Collection method: clinical testing. Allele origin: germline.
Comment: The c.131G>A (p.S44N) alteration is located in exon 2 (coding exon 2) of the SOX5 gene. This alteration results from a G to A substitution at nucleotide position 131, causing the serine (S) at amino acid position 44 to be replaced by an asparagine (N). This variant was not reported in population-based cohorts in the Genome Aggregation Database (gnomAD). This amino acid position is well conserved in available vertebrate species. This alteration is predicted to be tolerated by in silico analysis. Based on insufficient or conflicting evidence, the clinical significance of this alteration remains unclear.